The following is an entry in ClinVar:

NM_014915.3(ANKRD26):c.1555T>G (p.Ser519Ala)

Gene: ANKRD26 (ankyrin repeat domain containing 26; minus strand). Cytogenetic location: 10p12.1.
Variant type: single nucleotide variant.
Coding change: c.1555T>G on transcript NM_014915.3 (MANE Select); coding-DNA position 1555, T replaced by G.
Protein change: p.Ser519Ala; replaces serine 519 with alanine.
Molecular consequence: missense variant.
Genome position (GRCh38, 1-based): chr10:27,060,354, A>C on the plus strand (T>G on the coding strand, the complement: ANKRD26 is on the minus strand). VCF-style: chr10-27060354-A-C. GRCh37 (hg19) VCF-style: chr10-27349283-A-C.
Other names: c.1555T>G, p.Ser519Ala (NM_001256053.2); short protein forms S519A.
Identifiers: ClinVar variation 4102966 (VCV004102966.1).

ClinVar aggregate classification (germline): Uncertain significance (1 of 4 stars; one submission).

Conditions:
Inborn genetic diseases. Identifiers: MedGen C0950123, MeSH D030342.

Submission:

Ambry Genetics
Classification: Uncertain significance for Inborn genetic diseases. Last evaluated: 2025-06-23. Review status: criteria provided, single submitter. Criteria: Ambry Variant Classification Scheme 2023. Collection method: clinical testing. Allele origin: germline.
Comment: The p.S519A variant (also known as c.1555T>G), located in coding exon 15 of the ANKRD26 gene, results from a T to G substitution at nucleotide position 1555. The serine at codon 519 is replaced by alanine, an amino acid with similar properties. This amino acid position is conserved. In addition, this alteration is predicted to be tolerated by in silico analysis. Based on the available evidence, the clinical significance of this variant remains unclear.